The following is an entry in ClinVar:

NM_020163.3(SEMA3G):c.1563A>C (p.Gln521His)

Gene: SEMA3G (semaphorin 3G; minus strand). Cytogenetic location: 3p21.1.
Variant type: single nucleotide variant.
Coding change: c.1563A>C on transcript NM_020163.3 (MANE Select); coding-DNA position 1563, A replaced by C.
Protein change: p.Gln521His; replaces glutamine 521 with histidine.
Molecular consequence: missense variant.
Genome position (GRCh38, 1-based): chr3:52,438,146, T>G on the plus strand (A>C on the coding strand, the complement: SEMA3G is on the minus strand). VCF-style: chr3-52438146-T-G. GRCh37 (hg19) VCF-style: chr3-52472162-T-G.
Other names: c.1563A>C (NM_020163.2); short protein forms Q521H.
Identifiers: ClinVar variation 2340507 (VCV002340507.3), dbSNP rs775913988, ClinGen allele CA2437876.
Genomic context (GRCh38, chr3:52,438,146, plus strand): 5'-GGCACAGTATGGGTCCCGGGCCAGGCAGCACTCTGCACAGGCAGTGCCGTAAGTCTCACA[T>G]TGGTGCAGCCGCAGCTGGGCCACACCCAGCCGAGAGCCCACGTATAGCATTTGCTGGGGA-3'
Protein context (NP_064548.1, residues 511-531): RLGVAQLRLH[Gln521His]CETYGTACAE

ClinVar aggregate classification (germline): Uncertain significance. Review status: criteria provided, multiple submitters, no conflicts (2 of 4 stars). 2 submissions from 2 submitters: Uncertain significance (2). Last evaluated 2026-07-06.

Conditions:
SEMA3G-related disorder. Also called: SEMA3G-related condition.

Allele frequency attached by ClinVar (database versions not stated): TOPMed below 0.00001; gnomAD 0.00001.
gnomAD v4.1: 5 of 1,613,144 alleles (0.00031%); highest among the groups gnomAD compares: Admixed American, 0.0017%; no homozygotes.

Submissions (2):

PreventionGenetics, part of Exact Sciences
Classification: Uncertain significance for SEMA3G-related condition. Last evaluated: 2026-07-06. Review status: criteria provided, single submitter. Criteria: ACMG Guidelines, 2015. Collection method: clinical testing. Allele origin: germline.
Comment: The SEMA3G c.1563A>C variant is predicted to result in the amino acid substitution p.Gln521His. To our knowledge, this variant has not been reported in the literature. This variant is reported in 0.00089% of alleles in individuals of European (Non-Finnish) descent in gnomAD. At this time, the clinical significance of this variant is uncertain due to the absence of conclusive functional and genetic evidence.

Ambry Genetics
Classification: Uncertain significance. Last evaluated: 2022-12-28. Review status: criteria provided, single submitter. Criteria: Ambry Variant Classification Scheme 2023. Collection method: clinical testing. Allele origin: germline.